The following is an entry in ClinVar:

NM_001453.3(FOXC1):c.632G>A (p.Gly211Asp)

Gene: FOXC1 (forkhead box C1; plus strand). Cytogenetic location: 6p25.3.
Variant type: single nucleotide variant.
Coding change: c.632G>A on transcript NM_001453.3 (MANE Select); coding-DNA position 632, G replaced by A.
Protein change: p.Gly211Asp; replaces glycine 211 with aspartic acid.
Molecular consequence: missense variant.
Genome position (GRCh38, 1-based): chr6:1,611,077, G>A. VCF-style: chr6-1611077-G-A. GRCh37 (hg19) VCF-style: chr6-1611312-G-A.
Other names: short protein forms G211D.
Identifiers: ClinVar variation 2421914 (VCV002421914.7), dbSNP rs1250404259, ClinGen allele CA362559245.

ClinVar aggregate classification (germline): Uncertain significance. Review status: criteria provided, multiple submitters, no conflicts (2 of 4 stars). 2 submissions from 2 submitters: Uncertain significance (2). Last evaluated 2024-11-27.

Conditions:
Anterior segment dysgenesis 3 (ASGD3). Also called: IRIDOGONIODYSGENESIS ANOMALY, AUTOSOMAL DOMINANT; Glaucoma iridogoniodysplasia, familial. Identifiers: Orphanet 91483, MedGen C5975707, MONDO:0024456, OMIM 601631.
Axenfeld-Rieger syndrome type 3 (RIEG3). Also called: AXENFELD-RIEGER ANOMALY WITH CARDIAC DEFECTS AND/OR SENSORINEURAL HEARING LOSS. Identifiers: Orphanet 782, MedGen C2678503, MONDO:0011233, OMIM 602482.

Allele frequency attached by ClinVar (database versions not stated): gnomAD exomes below 0.00001; gnomAD 0.00001.

Submissions (2):

Labcorp Genetics (formerly Invitae), Labcorp
Classification: Uncertain significance for Axenfeld-Rieger syndrome type 3. Last evaluated: 2024-11-27. Review status: criteria provided, single submitter. Criteria: Invitae Variant Classification Sherloc (09022015). Collection method: clinical testing. Allele origin: germline.
Comment: This sequence change replaces glycine, which is neutral and non-polar, with aspartic acid, which is acidic and polar, at codon 211 of the FOXC1 protein (p.Gly211Asp). This variant is present in population databases (no rsID available, gnomAD 0.04%). This variant has not been reported in the literature in individuals affected with FOXC1-related conditions. ClinVar contains an entry for this variant (Variation ID: 2421914). An algorithm developed to predict the effect of missense changes on protein structure and function (PolyPhen-2) suggests that this variant is likely to be tolerated. In summary, the available evidence is currently insufficient to determine the role of this variant in disease. Therefore, it has been classified as a Variant of Uncertain Significance.

Fulgent Genetics
Classification: Uncertain significance for Anterior segment dysgenesis 3; Axenfeld-Rieger syndrome type 3. Last evaluated: 2024-05-07. Review status: criteria provided, single submitter. Criteria: ACMG Guidelines, 2015. Collection method: clinical testing. Allele origin: germline.